The following is an entry in ClinVar:

ClinVar aggregate classification (germline): Likely pathogenic (1 of 4 stars; one submission).

Conditions:
Hereditary hemorrhagic telangiectasia (HHT). Also called: ORW DISEASE; Osler Weber Rendu syndrome; OSLER-RENDU-WEBER DISEASE; Osler hemorrhagic telangiectasia syndrome. Identifiers: Orphanet 774, MedGen C0039445, MONDO:0019180. Disease mechanism: loss of function.

Submission:

Labcorp Genetics (formerly Invitae), Labcorp
Classification: Likely pathogenic for Hereditary hemorrhagic telangiectasia. Last evaluated: 2024-11-18. Review status: criteria provided, single submitter. Criteria: Invitae Variant Classification Sherloc (09022015). Collection method: clinical testing. Allele origin: germline.
Comment: This sequence change replaces cysteine, which is neutral and slightly polar, with phenylalanine, which is neutral and non-polar, at codon 493 of the ENG protein (p.Cys493Phe). This variant is not present in population databases (gnomAD no frequency). This missense change has been observed in individual(s) with clinical features of hereditary hemorrhagic telangiectasia (internal data). ClinVar contains an entry for this variant (Variation ID: 2004206). Invitae Evidence Modeling of protein sequence and biophysical properties (such as structural, functional, and spatial information, amino acid conservation, physicochemical variation, residue mobility, and thermodynamic stability) indicates that this missense variant is expected to disrupt ENG protein function with a positive predictive value of 95%. This variant disrupts the p.Cys493 amino acid residue in ENG. Other variant(s) that disrupt this residue have been observed in individuals with ENG-related conditions (PMID: 25312062), which suggests that this may be a clinically significant amino acid residue. In summary, the currently available evidence indicates that the variant is pathogenic, but additional data are needed to prove that conclusively. Therefore, this variant has been classified as Likely Pathogenic.

Literature cited by the submitters: PubMed 25312062.

NM_001114753.3(ENG):c.1478G>T (p.Cys493Phe)

Genes: ENG (endoglin; minus strand), LOC102723566 (uncharacterized LOC102723566; plus strand). Cytogenetic location: 9q34.11.
Variant type: single nucleotide variant.
Coding change: c.1478G>T on transcript NM_001114753.3 (MANE Select); coding-DNA position 1478, G replaced by T.
Protein change: p.Cys493Phe; replaces cysteine 493 with phenylalanine.
Molecular consequence: missense variant. On other transcripts: non-coding transcript variant (1).
Genome position (GRCh38, 1-based): chr9:127,818,328, C>A on the plus strand (G>T on the coding strand, the complement: ENG is on the minus strand). VCF-style: chr9-127818328-C-A. GRCh37 (hg19) VCF-style: chr9-130580607-C-A.
Other names: c.1478G>T, p.Cys493Phe (NM_000118.4); c.932G>T, p.Cys311Phe (NM_001278138.2); short protein forms C311F, C493F.
Identifiers: ClinVar variation 2004206 (VCV002004206.4), dbSNP rs1830384847, ClinGen allele CA374975898.